The following is an entry in ClinVar:

ClinVar aggregate classification (germline): Likely benign. Review status: criteria provided, multiple submitters, no conflicts (2 of 4 stars). 3 submissions from 3 submitters: Likely benign (3). Last evaluated 2025-08-21.

Conditions:
Inborn genetic diseases. Identifiers: MedGen C0950123, MeSH D030342.

Allele frequency attached by ClinVar (database versions not stated): gnomAD 0.00267; ESP Exome Variant Server 0.00300; TOPMed 0.00302; 1000 Genomes Project 30x 0.00328; 1000 Genomes Project 0.00339.
gnomAD v4.1: 1,047 of 1,613,536 alleles (0.065%); highest among the groups gnomAD compares: African/African-American, 0.94%; 11 homozygotes.

Submissions (3):

Ambry Genetics
Classification: Likely benign for Inborn genetic diseases. Last evaluated: 2025-08-21. Review status: criteria provided, single submitter. Criteria: Ambry Variant Classification Scheme 2023. Collection method: clinical testing. Allele origin: germline.

CeGaT Center for Human Genetics Tuebingen
Classification: Likely benign. Last evaluated: 2025-04-01. Review status: criteria provided, single submitter. Criteria: CeGaT Center For Human Genetics Tuebingen Variant Classification Criteria Version 2. Collection method: clinical testing. Allele origin: germline. Affected: yes. Observed: 2 variant alleles.
Comment: ATAD3A: BS2

Blueprint Genetics
Classification: Likely benign. Last evaluated: 2024-11-25. Review status: criteria provided, single submitter. Criteria: ACMG Guidelines, 2015. Collection method: clinical testing. Allele origin: germline.

NM_001170535.3(ATAD3A):c.1721C>T (p.Ala574Val)

Gene: ATAD3A (ATPase family AAA domain containing 3A; plus strand). Cytogenetic location: 1p36.33.
Variant type: single nucleotide variant.
Coding change: c.1721C>T on transcript NM_001170535.3 (MANE Select); coding-DNA position 1721, C replaced by T.
Protein change: p.Ala574Val; replaces alanine 574 with valine.
Molecular consequence: missense variant.
Genome position (GRCh38, 1-based): chr1:1,534,032, C>T. VCF-style: chr1-1534032-C-T. GRCh37 (hg19) VCF-style: chr1-1469412-C-T.
Other names: c.1865C>T (NM_018188.3); c.1484C>T, p.Ala495Val (NM_001170536.3); c.1865C>T, p.Ala622Val (NM_018188.5); short protein forms A495V, A574V, A622V.
Identifiers: ClinVar variation 2638045 (VCV002638045.26), dbSNP rs145341309, ClinGen allele CA526561.